The following is an entry in ClinVar:

ClinVar aggregate classification (germline): Conflicting classifications of pathogenicity. Review status: criteria provided, conflicting classifications (1 of 4 stars). 4 submissions from 4 submitters: Uncertain significance (3); Likely benign (1). Last evaluated 2026-09-01.

Conditions:
Hereditary cancer-predisposing syndrome. Also called: Tumor predisposition; Hereditary neoplastic syndrome; Neoplastic Syndromes, Hereditary; Hereditary Cancer Syndrome. Identifiers: Orphanet 140162, MedGen C0027672, MeSH D009386, MONDO:0015356.
Rhabdoid tumor predisposition syndrome 2 (RTPS2). Identifiers: Orphanet 231108, Orphanet 69077, MedGen C2750074, MONDO:0013224, OMIM 613325.
SMARCA4-related disorder. Also called: SMARCA4-related condition.

Allele frequency attached by ClinVar (database versions not stated): ExAC 0.00001; gnomAD 0.00001; gnomAD exomes 0.00001; TOPMed 0.00004.
gnomAD v4.1: 6 of 1,613,948 alleles (0.00037%); highest among the groups gnomAD compares: African/African-American, 0.0067%; no homozygotes.

Submissions (4):

PreventionGenetics, part of Exact Sciences
Classification: Uncertain significance for SMARCA4-related condition. Last evaluated: 2026-09-01. Review status: criteria provided, single submitter. Criteria: ACMG Guidelines, 2015. Collection method: clinical testing. Allele origin: germline.
Comment: The SMARCA4 c.3218T>A variant is predicted to result in the amino acid substitution p.Leu1073Gln. To our knowledge, this variant has not been reported in the literature. It is reported in 0.012% of alleles in individuals of African descent in gnomAD and has conflicting interpretations in ClinVar ranging from likely benign to uncertain (Variation ID: 1037211). Although we suspect that this variant may be benign, at this time, the clinical significance of this variant is uncertain due to the absence of conclusive functional and genetic evidence.

Labcorp Genetics (formerly Invitae), Labcorp
Classification: Uncertain significance for Rhabdoid tumor predisposition syndrome 2. Last evaluated: 2025-06-23. Review status: criteria provided, single submitter. Criteria: Invitae Variant Classification Sherloc (09022015). Collection method: clinical testing. Allele origin: germline.
Comment: This sequence change replaces leucine, which is neutral and non-polar, with glutamine, which is neutral and polar, at codon 1073 of the SMARCA4 protein (p.Leu1073Gln). The frequency data for this variant in the population databases is considered unreliable, as metrics indicate poor data quality at this position in the gnomAD database. This variant has not been reported in the literature in individuals affected with SMARCA4-related conditions. ClinVar contains an entry for this variant (Variation ID: 1037211). An algorithm developed to predict the effect of missense changes on protein structure and function (PolyPhen-2) suggests that this variant is likely to be tolerated. RNA analysis performed to evaluate the impact of this missense change on mRNA splicing indicates it does not significantly alter splicing (internal data). In summary, the available evidence is currently insufficient to determine the role of this variant in disease. Therefore, it has been classified as a Variant of Uncertain Significance.

Baylor Genetics
Classification: Uncertain significance for Rhabdoid tumor predisposition syndrome 2. Last evaluated: 2023-12-07. Review status: criteria provided, single submitter. Criteria: ACMG Guidelines, 2015. Collection method: clinical testing. Allele origin: unknown.

Ambry Genetics
Classification: Likely benign for Hereditary cancer-predisposing syndrome. Last evaluated: 2022-07-19. Review status: criteria provided, single submitter. Criteria: Ambry Variant Classification Scheme 2023. Collection method: clinical testing. Allele origin: germline.

NM_003072.5(SMARCA4):c.3218T>A (p.Leu1073Gln)

Gene: SMARCA4 (SWI/SNF related BAF chromatin remodeling complex subunit ATPase 4; plus strand). Cytogenetic location: 19p13.2.
Variant type: single nucleotide variant.
Coding change: c.3218T>A on transcript NM_003072.5 (MANE Select); coding-DNA position 3218, T replaced by A.
Protein change: p.Leu1073Gln; replaces leucine 1073 with glutamine.
Molecular consequence: missense variant. On other transcripts: non-coding transcript variant (1).
Genome position (GRCh38, 1-based): chr19:11,027,786, T>A. VCF-style: chr19-11027786-T-A. GRCh37 (hg19) VCF-style: chr19-11138462-T-A.
Other names: c.3218T>A, p.Leu1073Gln (NM_001128848.2, NM_001128849.3, NM_001374457.1 and 5 more transcripts); short protein forms L1073Q.
Identifiers: ClinVar variation 1037211 (VCV001037211.13), dbSNP rs767165458, ClinGen allele CA9204380.
Genomic context (GRCh38, chr19:11,027,786, plus strand): 5'-CTGCAGGGTTCCAGGTTTAACATCCTGCGCCTTCTCTCCTGCCTCCTCCACACTCCAGGC[T>A]GGACCTGTACCGAGCCTCGGGTAAATTTGAGCTTCTTGATAGAATTCTTCCCAAACTCCG-3'
Protein context (NP_003063.2, residues 1063-1083): LGFTGGIVQG[Leu1073Gln]DLYRASGKFE